The following is an entry in ClinVar:

NM_006052.2(VPS26C):c.82A>G (p.Ile28Val)

Gene: VPS26C (VPS26 endosomal protein sorting factor C; minus strand). Cytogenetic location: 21q22.13.
Variant type: single nucleotide variant.
Coding change: c.82A>G on transcript NM_006052.2 (MANE Select); coding-DNA position 82, A replaced by G.
Protein change: p.Ile28Val; replaces isoleucine 28 with valine.
Molecular consequence: missense variant. On other transcripts: intron variant (2).
Genome position (GRCh38, 1-based): chr21:37,240,615, T>C on the plus strand (A>G on the coding strand, the complement: VPS26C is on the minus strand). VCF-style: chr21-37240615-T-C. GRCh37 (hg19) VCF-style: chr21-38612916-T-C.
Other names: c.82A>G, p.Ile28Val (NM_001331022.1); c.58-8164A>G (NM_001331018.1); c.58-2006A>G (NM_001331021.1); short protein forms I28V.
Identifiers: ClinVar variation 3034062 (VCV003034062.2), dbSNP rs143567273, ClinGen allele CA10023589.
Genomic context (GRCh38, chr21:37,240,615, plus strand): 5'-TTACAGTTCCTTCCATGGTCAAAGACACTCCCTGGTGTTGGACTGAATCCTTACTCGATA[T>C]GACCACCACGCCAGAGAGCACTTCCTGGGAGAGAAAAGACAGCCACCAATCAAATTAGCA-3'
Protein context (NP_006043.1, residues 18-38): AGEVLSGVVV[Ile28Val]SSKDSVQHQG

ClinVar aggregate classification (germline): Likely benign (0 of 4 stars; one submission).

Conditions:
VPS26C-related disorder. Also called: VPS26C-related condition.

Allele frequency attached by ClinVar (database versions not stated): ExAC 0.00047; ESP Exome Variant Server 0.00123; TOPMed 0.00128; gnomAD 0.00130; 1000 Genomes Project 0.00140; 1000 Genomes Project 30x 0.00141.
gnomAD v4.1: 446 of 1,614,134 alleles (0.028%); highest among the groups gnomAD compares: African/African-American, 0.45%; 2 homozygotes.

Submission:

PreventionGenetics, part of Exact Sciences
Classification: Likely benign for VPS26C-related condition. Last evaluated: 2023-04-24. Review status: no assertion criteria provided. Collection method: clinical testing. Allele origin: germline.
Comment: This variant is classified as likely benign based on ACMG/AMP sequence variant interpretation guidelines (Richards et al. 2015 PMID: 25741868, with internal and published modifications).